The following is an entry in ClinVar:

ClinVar aggregate classification (germline): Uncertain significance. Review status: criteria provided, multiple submitters, no conflicts (2 of 4 stars). 2 submissions from 2 submitters: Uncertain significance (2). Last evaluated 2025-07-15.

Conditions:
Inborn genetic diseases. Identifiers: MedGen C0950123, MeSH D030342.

gnomAD v4.1: 5 of 1,613,166 alleles (0.00031%); highest among the groups gnomAD compares: Admixed American, 0.0017%; no homozygotes.

Submissions (2):

Ambry Genetics
Classification: Uncertain significance for Inborn genetic diseases. Last evaluated: 2025-07-15. Review status: criteria provided, single submitter. Criteria: Ambry Variant Classification Scheme 2023. Collection method: clinical testing. Allele origin: germline.

CeGaT Center for Human Genetics Tuebingen
Classification: Uncertain significance. Last evaluated: 2025-03-01. Review status: criteria provided, single submitter. Criteria: CeGaT Center For Human Genetics Tuebingen Variant Classification Criteria Version 2. Collection method: clinical testing. Allele origin: germline. Affected: yes. Observed: 1 variant allele.
Comment: NBEAL2: PM2, BP4

NM_015175.3(NBEAL2):c.5477G>T (p.Arg1826Leu)

Gene: NBEAL2 (neurobeachin like 2; plus strand). Cytogenetic location: 3p21.31.
Variant type: single nucleotide variant.
Coding change: c.5477G>T on transcript NM_015175.3 (MANE Select); coding-DNA position 5477, G replaced by T.
Protein change: p.Arg1826Leu; replaces arginine 1826 with leucine.
Molecular consequence: missense variant.
Genome position (GRCh38, 1-based): chr3:47,002,974, G>T. VCF-style: chr3-47002974-G-T. GRCh37 (hg19) VCF-style: chr3-47044464-G-T.
Other names: c.5477G>T (NM_015175.1); c.5375G>T, p.Arg1792Leu (NM_001365116.2); short protein forms R1792L, R1826L.
Identifiers: ClinVar variation 3771968 (VCV003771968.14).